The following is an entry in ClinVar:

ClinVar aggregate classification (germline): Uncertain significance. Review status: criteria provided, multiple submitters, no conflicts (2 of 4 stars). 2 submissions from 2 submitters: Uncertain significance (2). Last evaluated 2026-07-01.

Conditions:
Developmental and epileptic encephalopathy, 30 (DEE30). Also called: Epileptic encephalopathy, early infantile, 30. Identifiers: MedGen C4225360, MONDO:0014595, OMIM 616341.

Submissions (2):

CeGaT Center for Human Genetics Tuebingen
Classification: Uncertain significance. Last evaluated: 2026-07-01. Review status: criteria provided, single submitter. Criteria: CeGaT Center For Human Genetics Tuebingen Variant Classification Criteria Version 2. Collection method: clinical testing. Allele origin: germline. Affected: yes. Observed: 1 variant allele.
Comment: SIK1: PM2, BP4

Labcorp Genetics (formerly Invitae), Labcorp
Classification: Uncertain significance for Developmental and epileptic encephalopathy, 30. Last evaluated: 2024-10-29. Review status: criteria provided, single submitter. Criteria: Invitae Variant Classification Sherloc (09022015). Collection method: clinical testing. Allele origin: germline.
Comment: This sequence change replaces leucine, which is neutral and non-polar, with phenylalanine, which is neutral and non-polar, at codon 401 of the SIK1 protein (p.Leu401Phe). This variant is not present in population databases (gnomAD no frequency). This variant has not been reported in the literature in individuals affected with SIK1-related conditions. ClinVar contains an entry for this variant (Variation ID: 1498102). Invitae Evidence Modeling of protein sequence and biophysical properties (such as structural, functional, and spatial information, amino acid conservation, physicochemical variation, residue mobility, and thermodynamic stability) indicates that this missense variant is not expected to disrupt SIK1 protein function with a negative predictive value of 95%. In summary, the available evidence is currently insufficient to determine the role of this variant in disease. Therefore, it has been classified as a Variant of Uncertain Significance.

NM_173354.5(SIK1):c.1201C>T (p.Leu401Phe)

Gene: SIK1 (salt inducible kinase 1; minus strand). Cytogenetic location: 21q22.3.
Variant type: single nucleotide variant.
Coding change: c.1201C>T on transcript NM_173354.5 (MANE Select); coding-DNA position 1201, C replaced by T.
Protein change: p.Leu401Phe; replaces leucine 401 with phenylalanine.
Molecular consequence: missense variant.
Genome position (GRCh38, 1-based): chr21:43,419,397, G>A on the plus strand (C>T on the coding strand, the complement: SIK1 is on the minus strand). VCF-style: chr21-43419397-G-A. GRCh37 (hg19) VCF-style: chr21-44839277-G-A.
Other names: short protein forms L401F.
Identifiers: ClinVar variation 1498102 (VCV001498102.9), dbSNP rs2146471356, ClinGen allele CA410608522.